The following is an entry in ClinVar:

ClinVar aggregate classification (germline): Likely benign. Review status: criteria provided, multiple submitters, no conflicts (2 of 4 stars). 2 submissions from 2 submitters: Likely benign (2). Last evaluated 2026-07-08.

Conditions:
NBAS-related disorder. Also called: NBAS-related condition.

Allele frequency attached by ClinVar (database versions not stated): gnomAD 0.00001 and 0.00007; TOPMed 0.00002; gnomAD exomes 0.00010 and 0.00018; ExAC 0.00013; 1000 Genomes Project 30x 0.00047; 1000 Genomes Project 0.00060.
gnomAD v4.1: 271 of 1,613,964 alleles (0.017%); highest among the groups gnomAD compares: East Asian, 0.59%; 1 homozygote.

Submissions (2):

PreventionGenetics, part of Exact Sciences
Classification: Likely benign for NBAS-related condition. Last evaluated: 2026-07-08. Review status: criteria provided, single submitter. Criteria: ACMG Guidelines, 2015. Collection method: clinical testing. Allele origin: germline.
Comment: This variant is classified as likely benign based on ACMG/AMP sequence variant interpretation guidelines (Richards et al. 2015 PMID: 25741868, with internal and published modifications).

Labcorp Genetics (formerly Invitae), Labcorp
Classification: Likely benign. Last evaluated: 2026-01-11. Review status: criteria provided, single submitter. Criteria: Invitae Variant Classification Sherloc (09022015). Collection method: clinical testing. Allele origin: germline.

NM_015909.4(NBAS):c.6489C>T (p.Leu2163=)

Gene: NBAS (NBAS subunit of NRZ tethering complex; minus strand). Cytogenetic location: 2p24.3.
Variant type: single nucleotide variant.
Coding change: c.6489C>T on transcript NM_015909.4 (MANE Select); coding-DNA position 6489, C replaced by T.
Protein change: p.Leu2163=; no amino-acid change (leucine 2163 retained).
Molecular consequence: synonymous variant. On other transcripts: non-coding transcript variant (1).
Genome position (GRCh38, 1-based): chr2:15,190,347, G>A on the plus strand (C>T on the coding strand, the complement: NBAS is on the minus strand). VCF-style: chr2-15190347-G-A. GRCh37 (hg19) VCF-style: chr2-15330471-G-A.
Identifiers: ClinVar variation 725666 (VCV000725666.9), dbSNP rs78687396, ClinGen allele CA1534994.